The following is an entry in ClinVar:

ClinVar aggregate classification (germline): Conflicting classifications of pathogenicity. Review status: criteria provided, conflicting classifications (1 of 4 stars). 5 submissions from 5 submitters: Pathogenic (2); Uncertain significance (1). 2 of the submissions do not count toward it. Last evaluated 2024-04-25.

Conditions:
NYX-related disorder. Also called: NYX-related condition.
Congenital stationary night blindness 1A (CSNB1A). Also called: NYX-Related X-Linked Congenital Stationary Night Blindness; CSNB, COMPLETE, X-LINKED; HEMERALOPIA-MYOPIA; Night blindness, congenital stationary (complete), 1A, X-linked; MYOPIA-NIGHT BLINDNESS; NIGHT BLINDNESS, CONGENITAL STATIONARY, WITH MYOPIA. Identifiers: Orphanet 215, MedGen C3495587, MONDO:0010690, OMIM 310500.

Allele frequency attached by ClinVar (database versions not stated): gnomAD exomes below 0.00001 and 0.00001; TOPMed 0.00006; gnomAD 0.00009 and 0.00010.

Submissions (5):

Labcorp Genetics (formerly Invitae), Labcorp
Classification: Pathogenic. Last evaluated: 2024-04-25. Review status: criteria provided, single submitter. Criteria: Invitae Variant Classification Sherloc (09022015). Collection method: clinical testing. Allele origin: germline.
Comment: This sequence change creates a premature translational stop signal (p.Trp350*) in the NYX gene. While this is not anticipated to result in nonsense mediated decay, it is expected to disrupt the last 132 amino acid(s) of the NYX protein. This variant is present in population databases (rs62637037, gnomAD 0.008%). This premature translational stop signal has been observed in individual(s) with congenital stationary night blindness (PMID: 11062471). It has also been observed to segregate with disease in related individuals. ClinVar contains an entry for this variant (Variation ID: 11421). For these reasons, this variant has been classified as Pathogenic.

Mendelics
Classification: Uncertain significance. Last evaluated: 2022-05-04. Review status: criteria provided, single submitter. Criteria: Mendelics Assertion Criteria 2019. Collection method: clinical testing. Allele origin: germline.

Blueprint Genetics
Classification: Pathogenic for NYX-related disorders. Last evaluated: 2020-05-19. Review status: criteria provided, single submitter. Criteria: ACMG Guidelines, 2015. Collection method: clinical testing. Allele origin: germline. Affected: yes. Observed: 4 variant alleles.

OMIM
Classification: Pathogenic for NIGHT BLINDNESS, CONGENITAL STATIONARY, TYPE 1A. Last evaluated: 2000-11-01. Review status: no assertion criteria provided. Collection method: literature only. Allele origin: germline. Not counted in ClinVar's aggregate classification.

Retina International
No classification provided. Review status: no classification provided. Collection method: not provided. Allele origin: not provided. Not counted in ClinVar's aggregate classification.

Literature cited by the submitters: PubMed 11062471 (cited by Labcorp Genetics (formerly Invitae), Labcorp and OMIM).

NM_001378477.3(NYX):c.1034G>A (p.Trp345Ter)

Gene: NYX (nyctalopin; plus strand). Cytogenetic location: Xp11.4.
Variant type: single nucleotide variant.
Coding change: c.1034G>A on transcript NM_001378477.3 (MANE Select); coding-DNA position 1034, G replaced by A.
Protein change: p.Trp345Ter; replaces tryptophan 345 with a stop codon.
Molecular consequence: nonsense.
Genome position (GRCh38, 1-based): chrX:41,474,502, G>A. VCF-style: chrX-41474502-G-A. GRCh37 (hg19) VCF-style: chrX-41333755-G-A.
Other names: c.1034G>A, p.Trp345Ter (NM_022567.3); short protein forms W350*, W345*.
Identifiers: ClinVar variation 11421 (VCV000011421.7), dbSNP rs62637037, ClinGen allele CA227934.
Genomic context (GRCh38, chrX:41,474,502, plus strand): 5'-GCCTCTTCCTCTTCCGCAACCCGTGGTGCTGCGACTGCCGTCTGGAGTGGCTGAGGGACT[G>A]GATGGAGGGCTCCGGACGTGTCACCGACGTGCCGTGCGCCTCCCCGGGCTCCGTGGCCGG-3'